The following is an entry in ClinVar:

ClinVar aggregate classification (germline): Pathogenic (1 of 4 stars; one submission).

Conditions:
Nephronophthisis. Also called: Juvenile Nephronophthisis. Identifiers: Orphanet 655, MedGen C0687120, MONDO:0019005, HP:0000090.

Allele frequency attached by ClinVar (database versions not stated): gnomAD exomes below 0.00001; TOPMed 0.00001.

Submission:

Labcorp Genetics (formerly Invitae), Labcorp
Classification: Pathogenic for Nephronophthisis. Last evaluated: 2023-01-26. Review status: criteria provided, single submitter. Criteria: Invitae Variant Classification Sherloc (09022015). Collection method: clinical testing. Allele origin: germline.
Comment: For these reasons, this variant has been classified as Pathogenic. This variant has not been reported in the literature in individuals affected with NPHP1-related conditions. This variant is not present in population databases (gnomAD no frequency). This sequence change creates a premature translational stop signal (p.Ser26Argfs*5) in the NPHP1 gene. It is expected to result in an absent or disrupted protein product. Loss-of-function variants in NPHP1 are known to be pathogenic (PMID: 23559409).

Literature cited by the submitters: PubMed 23559409.

NM_001128178.3(NPHP1):c.77dup (p.Ser26fs)

Gene: NPHP1 (nephrocystin 1; minus strand). Cytogenetic location: 2q13.
Variant type: Duplication.
Coding change: c.77dup on transcript NM_001128178.3 (MANE Select); coding-DNA position 77, one base duplicated (G; older notation c.77dupG).
Protein change: p.Ser26fs; shifts the reading frame from serine 26.
Molecular consequence: frameshift variant.
Genome position (GRCh38, 1-based): chr2:110,201,487, C duplicated on the plus strand (G on the coding strand, the reverse complement: NPHP1 is on the minus strand). VCF-style (leftmost placement, unchanged base first): chr2-110201486-A-AC. GRCh37 (hg19) VCF-style: chr2-110959063-A-AC.
Other names: c.77dup, p.Ser26fs (NM_000272.5, NM_001128179.3, NM_001374256.1 and 2 more transcripts); short protein forms S26fs.
Identifiers: ClinVar variation 2190054 (VCV002190054.4), dbSNP rs1374365071, ClinGen allele CA755047972.